The following is an entry in ClinVar:

ClinVar aggregate classification (germline): Uncertain significance. Review status: criteria provided, multiple submitters, no conflicts (2 of 4 stars). 2 submissions from 2 submitters: Uncertain significance (2). Last evaluated 2023-12-29.

Conditions:
Emery-Dreifuss muscular dystrophy 4, autosomal dominant (EDMD4). Also called: EMERY-DREIFUSS MUSCULAR DYSTROPHY 4 WITH VARIABLE FEATURES. Identifiers: Orphanet 261, MedGen C2751807, MONDO:0013071, OMIM 612998.
Autosomal recessive ataxia, Beauce type. Also called: SYNE1-Related Autosomal Recessive Cerebellar Ataxia; Spinocerebellar ataxia, autosomal recessive 8; ATAXIA, RECESSIVE, OF BEAUCE; SYNE1 Deficiency. Identifiers: Orphanet 88644, MedGen C1853116, MONDO:0012549, OMIM 610743.

Allele frequency attached by ClinVar (database versions not stated): ExAC 0.00001; gnomAD exomes 0.00001.
gnomAD v4.1: 8 of 1,614,202 alleles (0.0005%); highest among the groups gnomAD compares: South Asian, 0.0088%; no homozygotes.

Submissions (2):

Mayo Clinic Laboratories, Mayo Clinic
Classification: Uncertain significance. Last evaluated: 2023-12-29. Review status: criteria provided, single submitter. Criteria: ACMG Guidelines, 2015. Collection method: clinical testing. Allele origin: germline. Observed: 1 variant allele.
Comment: BP4

Labcorp Genetics (formerly Invitae), Labcorp
Classification: Uncertain significance for Emery-Dreifuss muscular dystrophy 4, autosomal dominant; Autosomal recessive ataxia, Beauce type. Last evaluated: 2018-01-11. Review status: criteria provided, single submitter. Criteria: Invitae Variant Classification Sherloc (09022015). Collection method: clinical testing. Allele origin: germline.
Comment: In summary, this variant is a rare missense change with uncertain impact on protein function. There is no indication that it causes disease, but the available evidence is currently insufficient to prove that conclusively. Therefore, it has been classified as a Variant of Uncertain Significance. Algorithms developed to predict the effect of missense changes on protein structure and function do not agree on the potential impact of this missense change (SIFT: "Deleterious"; PolyPhen-2: "Benign"; Align-GVGD: "Class C65"). This variant is present in population databases (rs780777858, ExAC 0.006%) but has not been reported in the literature in individuals with a SYNE1-related disease. This sequence change replaces proline with serine at codon 3990 of the SYNE1 protein (p.Pro3990Ser). The proline residue is highly conserved and there is a moderate physicochemical difference between proline and serine.

NM_182961.4(SYNE1):c.12181C>T (p.Pro4061Ser)

Gene: SYNE1 (spectrin repeat containing nuclear envelope protein 1; minus strand). Cytogenetic location: 6q25.2.
Variant type: single nucleotide variant.
Coding change: c.12181C>T on transcript NM_182961.4 (MANE Select); coding-DNA position 12181, C replaced by T.
Protein change: p.Pro4061Ser; replaces proline 4061 with serine.
Molecular consequence: missense variant.
Genome position (GRCh38, 1-based): chr6:152,344,125, G>A on the plus strand (C>T on the coding strand, the complement: SYNE1 is on the minus strand). VCF-style: chr6-152344125-G-A. GRCh37 (hg19) VCF-style: chr6-152665260-G-A.
Other names: p.Pro3990Ser; c.11968C>T, p.Pro3990Ser (NM_033071.5); short protein forms P3990S, P4061S.
Identifiers: ClinVar variation 470992 (VCV000470992.10), dbSNP rs780777858, ClinGen allele CA4056487.